The following is an entry in ClinVar:

ClinVar aggregate classification (germline): Uncertain significance (1 of 4 stars; one submission).

Conditions:
Microphthalmia with brain and digit anomalies (MCOPS6). Also called: Microphthalmia, syndromic 6; MICROPHTHALMIA AND PITUITARY ANOMALIES. Identifiers: Orphanet 139471, MedGen C1864689, MONDO:0011936, OMIM 607932.
Orofacial cleft 11 (OFC11). Also called: CLEFT LIP WITH OR WITHOUT CLEFT PALATE, NONSYNDROMIC, 11; Orofacial cleft 11; ofc11. Identifiers: MedGen C2677434, MONDO:0010906, OMIM 600625.

Allele frequency attached by ClinVar (database versions not stated): ExAC 0.00007; gnomAD 0.00007; TOPMed 0.00008; gnomAD exomes 0.00009.
gnomAD v4.1: 137 of 1,608,342 alleles (0.0085%); highest among the groups gnomAD compares: Middle Eastern, 0.016%; no homozygotes.

Submission:

Labcorp Genetics (formerly Invitae), Labcorp
Classification: Uncertain significance for Microphthalmia with brain and digit anomalies; Orofacial cleft 11. Last evaluated: 2025-10-23. Review status: criteria provided, single submitter. Criteria: Invitae Variant Classification Sherloc (09022015). Collection method: clinical testing. Allele origin: germline.
Comment: This sequence change replaces arginine, which is basic and polar, with histidine, which is basic and polar, at codon 139 of the BMP4 protein (p.Arg139His). This variant is present in population databases (rs773804981, gnomAD 0.009%). This missense change has been observed in individual(s) with clinical features of BMP4-related conditions (PMID: 31063268). ClinVar contains an entry for this variant (Variation ID: 2079294). Invitae Evidence Modeling of protein sequence and biophysical properties (such as structural, functional, and spatial information, amino acid conservation, physicochemical variation, residue mobility, and thermodynamic stability) indicates that this missense variant is not expected to disrupt BMP4 protein function with a negative predictive value of 80%. In summary, the available evidence is currently insufficient to determine the role of this variant in disease. Therefore, it has been classified as a Variant of Uncertain Significance.

Literature cited by the submitters: PubMed 31063268.

NM_001202.6(BMP4):c.416G>A (p.Arg139His)

Gene: BMP4 (bone morphogenetic protein 4; minus strand). Cytogenetic location: 14q22.2.
Variant type: single nucleotide variant.
Coding change: c.416G>A on transcript NM_001202.6 (MANE Select); coding-DNA position 416, G replaced by A.
Protein change: p.Arg139His; replaces arginine 139 with histidine.
Molecular consequence: missense variant.
Genome position (GRCh38, 1-based): chr14:53,950,843, C>T on the plus strand (G>A on the coding strand, the complement: BMP4 is on the minus strand). VCF-style: chr14-53950843-C-T. GRCh37 (hg19) VCF-style: chr14-54417561-C-T.
Other names: c.557G>A, p.Arg186His (NM_001347912.1); c.227G>A, p.Arg76His (NM_001347913.2, NM_001347915.2, NM_001347917.1); c.416G>A, p.Arg139His (NM_001347914.2, NM_001347916.1, NM_130850.5 and 1 more transcripts); short protein forms R186H, R139H, R76H.
Identifiers: ClinVar variation 2079294 (VCV002079294.4), dbSNP rs773804981, ClinGen allele CA7191736.
Genomic context (GRCh38, chr14:53,950,843, plus strand): 5'-CGAAGCTCTGCAGAGGAGATCACCTCGTTCTCAGGGATGCTGCTGAGGTTAAAGAGGAAA[C>T]GAAAAGCAGAGTTTTCACTGGTCCCTGGGATGTTCTCCAGATGTTCTAGGCACAGTTAGG-3'
Protein context (NP_001193.2, residues 129-149): IPGTSENSAF[Arg139His]FLFNLSSIPE